The following is an entry in ClinVar:

ClinVar aggregate classification (germline): Pathogenic (1 of 4 stars; one submission).

Conditions:
Wilms tumor 1 (WT1). Also called: Wilms tumor, somatic. Identifiers: Orphanet 654, MedGen CN033288, MONDO:0008679, OMIM 194070.
11p partial monosomy syndrome (WAGR). Also called: CHROMOSOME 11p13 DELETION SYNDROME; WAGR syndrome; WAGR Complex; WAGR Spectrum Disorder. Identifiers: Orphanet 893, MedGen C0206115, MONDO:0008681, OMIM 194072.
Drash syndrome (DDS). Also called: NEPHROPATHY, WILMS TUMOR, AND GENITAL ANOMALIES; WILMS TUMOR AND PSEUDO- OR TRUE HERMAPHRODITISM. Identifiers: Orphanet 220, MedGen C0950121, MONDO:0008682, OMIM 194080.
Frasier syndrome. Identifiers: Orphanet 347, MedGen C0950122, MeSH D052159, MONDO:0007635, OMIM 136680.

Submission:

Labcorp Genetics (formerly Invitae), Labcorp
Classification: Pathogenic for Wilms tumor 1; Drash syndrome; 11p partial monosomy syndrome; Frasier syndrome. Last evaluated: 2023-03-21. Review status: criteria provided, single submitter. Criteria: Invitae Variant Classification Sherloc (09022015). Collection method: clinical testing. Allele origin: unknown.
Comment: For these reasons, this variant has been classified as Pathogenic. This variant has not been reported in the literature in individuals affected with WT1-related conditions. This variant is a gross deletion of the genomic region encompassing exon(s) 2-3 of the WT1 gene. This deletion is out-of-frame, and is expected to create a premature termination codon and result in an absent or disrupted protein product. Loss-of-function variants in WT1 are known to be pathogenic (PMID: 15150775).

Literature cited by the submitters: PubMed 15150775.

NC_000011.9:g.(?_32449492)_(32450175_?)del

Gene: WT1 (WT1 transcription factor; minus strand). Cytogenetic location: 11p13.
Variant type: Deletion.
Identifiers: ClinVar variation 3244687 (VCV003244687.1).